The following is an entry in ClinVar:

NM_003737.4(DCHS1):c.3551A>G (p.Gln1184Arg)

Gene: DCHS1 (dachsous cadherin-related 1; minus strand). Cytogenetic location: 11p15.4.
Variant type: single nucleotide variant.
Coding change: c.3551A>G on transcript NM_003737.4 (MANE Select); coding-DNA position 3551, A replaced by G.
Protein change: p.Gln1184Arg; replaces glutamine 1184 with arginine.
Molecular consequence: missense variant.
Genome position (GRCh38, 1-based): chr11:6,631,740, T>C on the plus strand (A>G on the coding strand, the complement: DCHS1 is on the minus strand). VCF-style: chr11-6631740-T-C. GRCh37 (hg19) VCF-style: chr11-6652971-T-C.
Other names: short protein forms Q1184R.
Identifiers: ClinVar variation 1964434 (VCV001964434.5), dbSNP rs776314446, ClinGen allele CA217299138.

ClinVar aggregate classification (germline): Uncertain significance (1 of 4 stars; one submission).

Allele frequency attached by ClinVar (database versions not stated): TOPMed below 0.00001; gnomAD 0.00001; gnomAD exomes 0.00002.
gnomAD v4.1: 26 of 1,606,190 alleles (0.0016%); highest among the groups gnomAD compares: Non-Finnish European, 0.0021%; no homozygotes.

Submission:

Labcorp Genetics (formerly Invitae), Labcorp
Classification: Uncertain significance. Last evaluated: 2022-03-18. Review status: criteria provided, single submitter. Criteria: Invitae Variant Classification Sherloc (09022015). Collection method: clinical testing. Allele origin: germline.
Comment: This sequence change replaces glutamine, which is neutral and polar, with arginine, which is basic and polar, at codon 1184 of the DCHS1 protein (p.Gln1184Arg). This variant is not present in population databases (gnomAD no frequency). This variant has not been reported in the literature in individuals affected with DCHS1-related conditions. Advanced modeling of protein sequence and biophysical properties (such as structural, functional, and spatial information, amino acid conservation, physicochemical variation, residue mobility, and thermodynamic stability) performed at Invitae indicates that this missense variant is not expected to disrupt DCHS1 protein function. In summary, the available evidence is currently insufficient to determine the role of this variant in disease. Therefore, it has been classified as a Variant of Uncertain Significance.